The following is an entry in ClinVar:

ClinVar aggregate classification (germline): Uncertain significance. Review status: criteria provided, multiple submitters, no conflicts (2 of 4 stars). 2 submissions from 2 submitters: Uncertain significance (2). Last evaluated 2025-08-26.

Conditions:
Hereditary cancer-predisposing syndrome. Also called: Tumor predisposition; Neoplastic Syndromes, Hereditary; Hereditary neoplastic syndrome; Hereditary Cancer Syndrome. Identifiers: Orphanet 140162, MedGen C0027672, MeSH D009386, MONDO:0015356.

Submissions (2):

Quest Diagnostics Nichols Institute San Juan Capistrano
Classification: Uncertain significance. Last evaluated: 2025-08-26. Review status: criteria provided, single submitter. Criteria: Quest Diagnostics criteria. Collection method: clinical testing. Allele origin: unknown.

Ambry Genetics
Classification: Uncertain significance for Hereditary cancer-predisposing syndrome. Last evaluated: 2025-07-14. Review status: criteria provided, single submitter. Criteria: Ambry Variant Classification Scheme 2023. Collection method: clinical testing. Allele origin: germline.
Comment: The p.A1214V variant (also known as c.3641C>T), located in coding exon 17 of the MET gene, results from a C to T substitution at nucleotide position 3641. The alanine at codon 1214 is replaced by valine, an amino acid with similar properties. This amino acid position is conserved. In addition, the in silico prediction for this alteration is inconclusive. Based on the available evidence, the clinical significance of this variant remains unclear.

NM_000245.4(MET):c.3587C>T (p.Ala1196Val)

Gene: MET (MET proto-oncogene, receptor tyrosine kinase; plus strand). Cytogenetic location: 7q31.2.
Variant type: single nucleotide variant.
Coding change: c.3587C>T on transcript NM_000245.4 (MANE Select); coding-DNA position 3587, C replaced by T.
Protein change: p.Ala1196Val; replaces alanine 1196 with valine.
Molecular consequence: missense variant.
Genome position (GRCh38, 1-based): chr7:116,782,052, C>T. VCF-style: chr7-116782052-C-T. GRCh37 (hg19) VCF-style: chr7-116422106-C-T.
Other names: c.3641C>T (NM_001127500.2); c.3641C>T, p.Ala1214Val (NM_001127500.3); c.2297C>T, p.Ala766Val (NM_001324402.2); short protein forms A1196V, A1214V, A766V.
Identifiers: ClinVar variation 4106767 (VCV004106767.2).